The following is an entry in ClinVar:

NM_020163.3(SEMA3G):c.1692C>T (p.Ile564=)

Gene: SEMA3G (semaphorin 3G; minus strand). Cytogenetic location: 3p21.1.
Variant type: single nucleotide variant.
Coding change: c.1692C>T on transcript NM_020163.3 (MANE Select); coding-DNA position 1692, C replaced by T.
Protein change: p.Ile564=; no amino-acid change (isoleucine 564 retained).
Molecular consequence: synonymous variant.
Genome position (GRCh38, 1-based): chr3:52,438,017, G>A on the plus strand (C>T on the coding strand, the complement: SEMA3G is on the minus strand). VCF-style: chr3-52438017-G-A. GRCh37 (hg19) VCF-style: chr3-52472033-G-A.
Identifiers: ClinVar variation 3030637 (VCV003030637.2), dbSNP rs150840276, ClinGen allele CA2437848.

ClinVar aggregate classification (germline): Likely benign (0 of 4 stars; one submission).

Conditions:
SEMA3G-related disorder. Also called: SEMA3G-related condition.

Allele frequency attached by ClinVar (database versions not stated): ESP Exome Variant Server 0.00008; ExAC 0.00011; gnomAD 0.00023; TOPMed 0.00026.

Submission:

PreventionGenetics, part of Exact Sciences
Classification: Likely benign for SEMA3G-related condition. Last evaluated: 2021-08-24. Review status: no assertion criteria provided. Collection method: clinical testing. Allele origin: germline.
Comment: This variant is classified as likely benign based on ACMG/AMP sequence variant interpretation guidelines (Richards et al. 2015 PMID: 25741868, with internal and published modifications).